The following is an entry in ClinVar:

NM_006904.7(PRKDC):c.4375C>T (p.His1459Tyr)

Gene: PRKDC (protein kinase, DNA-activated, catalytic subunit; minus strand). Cytogenetic location: 8q11.21.
Variant type: single nucleotide variant.
Coding change: c.4375C>T on transcript NM_006904.7 (MANE Select); coding-DNA position 4375, C replaced by T.
Protein change: p.His1459Tyr; replaces histidine 1459 with tyrosine.
Molecular consequence: missense variant.
Genome position (GRCh38, 1-based): chr8:47,888,556, G>A on the plus strand (C>T on the coding strand, the complement: PRKDC is on the minus strand). VCF-style: chr8-47888556-G-A. GRCh37 (hg19) VCF-style: chr8-48801117-G-A.
Other names: c.4375C>T, p.His1459Tyr (NM_001081640.2); short protein forms H1459Y.
Identifiers: ClinVar variation 475226 (VCV000475226.29), dbSNP rs199524714, ClinGen allele CA4740921.

ClinVar aggregate classification (germline): Uncertain significance. Review status: criteria provided, multiple submitters, no conflicts (2 of 4 stars). 4 submissions from 4 submitters: Uncertain significance (3). 1 of the submissions does not count toward it. Last evaluated 2024-12-01.

Conditions:
PRKDC-related disorder. Also called: PRKDC-related condition.
Severe combined immunodeficiency due to DNA-PKcs deficiency. Also called: IMMUNODEFICIENCY 26 WITH NEUROLOGIC ABNORMALITIES; Immunodeficiency 26 with or without neurologic abnormalities. Identifiers: Orphanet 317425, MedGen C4014833, MONDO:0014423, OMIM 615966.

Allele frequency attached by ClinVar (database versions not stated): 1000 Genomes Project 0.00020; gnomAD exomes 0.00029 and 0.00059; 1000 Genomes Project 30x 0.00031; ESP Exome Variant Server 0.00033; gnomAD 0.00044 and 0.00045; TOPMed 0.00051; ExAC 0.00062.
gnomAD v4.1: 908 of 1,581,572 alleles (0.057%); highest among the groups gnomAD compares: Non-Finnish European, 0.072%; no homozygotes.

Submissions (4):

CeGaT Center for Human Genetics Tuebingen
Classification: Uncertain significance. Last evaluated: 2024-12-01. Review status: criteria provided, single submitter. Criteria: CeGaT Center For Human Genetics Tuebingen Variant Classification Criteria Version 2. Collection method: clinical testing. Allele origin: germline. Affected: yes. Observed: 1 variant allele.
Comment: PRKDC: PM2, BP4

Blueprint Genetics
Classification: Uncertain significance. Last evaluated: 2024-11-05. Review status: criteria provided, single submitter. Criteria: ACMG Guidelines, 2015. Collection method: clinical testing. Allele origin: germline.

Labcorp Genetics (formerly Invitae), Labcorp
Classification: Uncertain significance for Severe combined immunodeficiency due to DNA-PKcs deficiency. Last evaluated: 2022-10-13. Review status: criteria provided, single submitter. Criteria: Invitae Variant Classification Sherloc (09022015). Collection method: clinical testing. Allele origin: germline.
Comment: This sequence change replaces histidine, which is basic and polar, with tyrosine, which is neutral and polar, at codon 1459 of the PRKDC protein (p.His1459Tyr). This variant is present in population databases (rs199524714, gnomAD 0.06%). This variant has not been reported in the literature in individuals affected with PRKDC-related conditions. ClinVar contains an entry for this variant (Variation ID: 475226). Advanced modeling of protein sequence and biophysical properties (such as structural, functional, and spatial information, amino acid conservation, physicochemical variation, residue mobility, and thermodynamic stability) performed at Invitae indicates that this missense variant is not expected to disrupt PRKDC protein function. In summary, the available evidence is currently insufficient to determine the role of this variant in disease. Therefore, it has been classified as a Variant of Uncertain Significance.

PreventionGenetics, part of Exact Sciences
Classification: Uncertain significance for PRKDC-related condition. Last evaluated: 2024-09-05. Review status: no assertion criteria provided. Collection method: clinical testing. Allele origin: germline. Not counted in ClinVar's aggregate classification.
Comment: The PRKDC c.4375C>T variant is predicted to result in the amino acid substitution p.His1459Tyr. To our knowledge, this variant has not been reported in the literature. This variant is reported in 0.052% of alleles in individuals of European (Non-Finnish) descent in gnomAD. Although we suspect that this variant may be benign, at this time, the clinical significance of this variant is uncertain due to the absence of conclusive functional and genetic evidence.